The following is an entry in ClinVar:

ClinVar aggregate classification (germline): Likely benign. Review status: reviewed by expert panel (3 of 4 stars). 5 submissions from 5 submitters: Likely benign (1). 4 of the submissions do not count toward it. Last evaluated 2013-09-05.

Conditions:
Lynch syndrome. Identifiers: Orphanet 144, MedGen C4552100, MONDO:0005835. Disease mechanism: loss of function.
Lynch syndrome 5 (LYNCH5). Also called: Colorectal cancer, hereditary nonpolyposis, type 5; Hereditary non-polyposis colorectal cancer, type 5. Identifiers: Orphanet 144, MedGen C1833477, MONDO:0013710, OMIM 614350. Disease mechanism: loss of function.
Hereditary cancer-predisposing syndrome. Also called: Tumor predisposition; Hereditary Cancer Syndrome; Hereditary neoplastic syndrome; Neoplastic Syndromes, Hereditary. Identifiers: Orphanet 140162, MedGen C0027672, MeSH D009386, MONDO:0015356.
Hereditary nonpolyposis colorectal neoplasms. Identifiers: MedGen C0009405, MeSH D003123.

Allele frequency attached by ClinVar (database versions not stated): gnomAD exomes below 0.00001; TOPMed below 0.00001.
gnomAD v4.1: 3 of 1,614,176 alleles (0.00019%); highest among the groups gnomAD compares: South Asian, 0.0011%; no homozygotes.

Submissions (5):

International Society for Gastrointestinal Hereditary Tumours (InSiGHT)
Classification: Likely benign for Lynch Syndrome. Last evaluated: 2013-09-05. Review status: reviewed by expert panel. Criteria: Guidelines v1.9. Collection method: research. Allele origin: germline.
Comment: Multifactorial likelihood analysis posterior probability 0.001-0.049

Classified with v1.9 guidelines

Labcorp Genetics (formerly Invitae), Labcorp
Classification: Likely benign for Hereditary nonpolyposis colorectal neoplasms. Last evaluated: 2025-12-08. Review status: criteria provided, single submitter. Criteria: Invitae Variant Classification Sherloc (09022015). Collection method: clinical testing. Allele origin: germline. Not counted in ClinVar's aggregate classification.

Myriad Genetics, Inc.
Classification: Benign for Lynch syndrome 5. Last evaluated: 2024-12-27. Review status: criteria provided, single submitter. Criteria: Myriad Autosomal Dominant, Autosomal Recessive and X-Linked Classification Criteria (2023). Collection method: clinical testing. Allele origin: unknown. Not counted in ClinVar's aggregate classification.
Comment: This variant is considered benign. This variant is a silent/synonymous amino acid change and it is not expected to impact splicing.

Ambry Genetics
Classification: Likely benign for Hereditary cancer-predisposing syndrome. Last evaluated: 2016-11-25. Review status: criteria provided, single submitter. Criteria: Ambry Variant Classification Scheme 2023. Collection method: clinical testing. Allele origin: germline. Not counted in ClinVar's aggregate classification.

Quest Diagnostics Nichols Institute San Juan Capistrano
Classification: Likely benign. Last evaluated: 2016-08-25. Review status: criteria provided, single submitter. Criteria: Quest Diagnostics criteria. Collection method: clinical testing. Allele origin: germline. Not counted in ClinVar's aggregate classification.

Literature cited by the submitters: PubMed 18301448 (cited by Quest Diagnostics Nichols Institute San Juan Capistrano).

NM_000179.3(MSH6):c.1770C>T (p.Pro590=)

Gene: MSH6 (mutS homolog 6; plus strand). Cytogenetic location: 2p16.3.
Variant type: single nucleotide variant.
Coding change: c.1770C>T on transcript NM_000179.3 (MANE Select); coding-DNA position 1770, C replaced by T.
Protein change: p.Pro590=; no amino-acid change (proline 590 retained).
Molecular consequence: synonymous variant.
Genome position (GRCh38, 1-based): chr2:47,799,753, C>T. VCF-style: chr2-47799753-C-T. GRCh37 (hg19) VCF-style: chr2-48026892-C-T.
Other names: c.1380C>T, p.Pro460= (NM_001281492.2); c.864C>T, p.Pro288= (NM_001281493.2, NM_001281494.2).
Identifiers: ClinVar variation 89221 (VCV000089221.17), dbSNP rs267608070, ClinGen allele CA009159.